The following is an entry in ClinVar:

NM_001039660.2(IL18BP):c.403G>A (p.Val135Met)

Gene: IL18BP (interleukin 18 binding protein; plus strand). Cytogenetic location: 11q13.4.
Variant type: single nucleotide variant.
Coding change: c.403G>A on transcript NM_001039660.2 (MANE Select); coding-DNA position 403, G replaced by A.
Protein change: p.Val135Met; replaces valine 135 with methionine.
Molecular consequence: missense variant. On other transcripts: intron variant (2).
Genome position (GRCh38, 1-based): chr11:72,001,448, G>A. VCF-style: chr11-72001448-G-A. GRCh37 (hg19) VCF-style: chr11-71712494-G-A.
Other names: c.403G>A, p.Val135Met (NM_001039659.2, NM_001145057.1, NM_005699.3 and 1 more transcripts); c.379+24G>A (NM_173044.3); c.236-336G>A (NM_001145055.1); short protein forms V135M.
Identifiers: ClinVar variation 2330280 (VCV002330280.3), dbSNP rs369842055, ClinGen allele CA6166238.

ClinVar aggregate classification (germline): Uncertain significance. Review status: criteria provided, multiple submitters, no conflicts (2 of 4 stars). 2 submissions from 2 submitters: Uncertain significance (2). Last evaluated 2026-01-26.

Allele frequency attached by ClinVar (database versions not stated): ExAC 0.00002; ESP Exome Variant Server 0.00008.
gnomAD v4.1: 7 of 1,614,096 alleles (0.00043%); highest among the groups gnomAD compares: South Asian, 0.0011%; no homozygotes.

Submissions (2):

Labcorp Genetics (formerly Invitae), Labcorp
Classification: Uncertain significance. Last evaluated: 2026-01-26. Review status: criteria provided, single submitter. Criteria: Invitae Variant Classification Sherloc (09022015). Collection method: clinical testing. Allele origin: germline.
Comment: This sequence change replaces valine, which is neutral and non-polar, with methionine, which is neutral and non-polar, at codon 135 of the IL18BP protein (p.Val135Met). This variant is present in population databases (rs369842055, gnomAD 0.002%). This variant has not been reported in the literature in individuals affected with IL18BP-related conditions. ClinVar contains an entry for this variant (Variation ID: 2330280). An algorithm developed to predict the effect of missense changes on protein structure and function outputs the following: PolyPhen-2: "Probably Damaging". The methionine amino acid residue is found in multiple mammalian species, which suggests that this missense change does not adversely affect protein function. In summary, the available evidence is currently insufficient to determine the role of this variant in disease. Therefore, it has been classified as a Variant of Uncertain Significance.

Ambry Genetics
Classification: Uncertain significance. Last evaluated: 2022-12-01. Review status: criteria provided, single submitter. Criteria: Ambry Variant Classification Scheme 2023. Collection method: clinical testing. Allele origin: germline.